The following is an entry in ClinVar:

NM_001291415.2(KDM6A):c.4001A>G (p.Lys1334Arg)

Gene: KDM6A (lysine demethylase 6A; plus strand). Cytogenetic location: Xp11.3.
Variant type: single nucleotide variant.
Coding change: c.4001A>G on transcript NM_001291415.2 (MANE Select); coding-DNA position 4001, A replaced by G.
Protein change: p.Lys1334Arg; replaces lysine 1334 with arginine.
Molecular consequence: missense variant. On other transcripts: non-coding transcript variant (1).
Genome position (GRCh38, 1-based): chrX:45,090,831, A>G. VCF-style: chrX-45090831-A-G. GRCh37 (hg19) VCF-style: chrX-44950076-A-G.
Other names: c.2957A>G, p.Lys986Arg (NM_001291421.2); c.3743A>G, p.Lys1248Arg (NM_001410742.1, NM_001419814.1); c.4001A>G, p.Lys1334Arg (NM_001419809.1); c.3899A>G, p.Lys1300Arg (NM_001419810.1, NM_001419813.1); c.3866A>G, p.Lys1289Arg (NM_001419811.1, NM_001291416.2); c.3845A>G, p.Lys1282Arg (NM_001419812.1, NM_021140.4); c.3608A>G, p.Lys1203Arg (NM_001419815.1, NM_001291418.2); c.3710A>G, p.Lys1237Arg (NM_001291417.2); short protein forms K1282R, K986R, K1203R, K1289R, K1334R, K1248R, K1300R, K1237R.
Identifiers: ClinVar variation 4087858 (VCV004087858.1).

ClinVar aggregate classification (germline): Uncertain significance (1 of 4 stars; one submission).

Submission:

GeneDx
Classification: Uncertain significance. Last evaluated: 2025-03-25. Review status: criteria provided, single submitter. Criteria: GeneDx Variant Classification Process June 2021. Collection method: clinical testing. Allele origin: germline. Affected: yes.
Comment: Not observed at significant frequency in large population cohorts (gnomAD); In silico analysis indicates that this missense variant does not alter protein structure/function; Has not been previously published as pathogenic or benign to our knowledge